The following is an entry in ClinVar:

NM_133642.5(LARGE1):c.1880A>C (p.Tyr627Ser)

Gene: LARGE1 (LARGE xylosyl- and glucuronyltransferase 1; minus strand). Cytogenetic location: 22q12.3.
Variant type: single nucleotide variant.
Coding change: c.1880A>C on transcript NM_133642.5 (MANE Select); coding-DNA position 1880, A replaced by C.
Protein change: p.Tyr627Ser; replaces tyrosine 627 with serine.
Molecular consequence: missense variant.
Genome position (GRCh38, 1-based): chr22:33,277,253, T>G on the plus strand (A>C on the coding strand, the complement: LARGE1 is on the minus strand). VCF-style: chr22-33277253-T-G. GRCh37 (hg19) VCF-style: chr22-33673239-T-G.
Other names: c.1880A>C, p.Tyr627Ser (NM_001362949.2, NM_001362951.2, NM_001362953.2 and 4 more transcripts); c.1733A>C, p.Tyr578Ser (NM_001378627.1, NM_001378628.1); c.1724A>C, p.Tyr575Ser (NM_001378629.1); c.1277A>C, p.Tyr426Ser (NM_001378630.1); c.974A>C, p.Tyr325Ser (NM_001378631.1); short protein forms Y325S, Y578S, Y575S, Y627S, Y426S.
Identifiers: ClinVar variation 1994982 (VCV001994982.4), dbSNP rs2546554291, ClinGen allele CA411543077.

ClinVar aggregate classification (germline): Uncertain significance (1 of 4 stars; one submission).

Conditions:
Muscular dystrophy-dystroglycanopathy type B6 (MDDGB6). Also called: MUSCULAR DYSTROPHY-DYSTROGLYCANOPATHY (CONGENITAL WITH IMPAIRED INTELLECTUAL DEVELOPMENT), TYPE B, 6; MUSCULAR DYSTROPHY, CONGENITAL, LARGE-RELATED; MUSCULAR DYSTROPHY, CONGENITAL, TYPE 1D. Identifiers: MedGen C1837229, MONDO:0012138, OMIM 608840.

Allele frequency attached by ClinVar (database versions not stated): gnomAD exomes below 0.00001.
gnomAD v4.1: 1 of 1,614,114 alleles (0.000062%); highest among the groups gnomAD compares: Admixed American, 0.0017%; no homozygotes.

Submission:

Labcorp Genetics (formerly Invitae), Labcorp
Classification: Uncertain significance for Muscular dystrophy-dystroglycanopathy type B6. Last evaluated: 2022-05-22. Review status: criteria provided, single submitter. Criteria: Invitae Variant Classification Sherloc (09022015). Collection method: clinical testing. Allele origin: germline.
Comment: In summary, the available evidence is currently insufficient to determine the role of this variant in disease. Therefore, it has been classified as a Variant of Uncertain Significance. Algorithms developed to predict the effect of missense changes on protein structure and function are either unavailable or do not agree on the potential impact of this missense change (SIFT: "Tolerated"; PolyPhen-2: "Probably Damaging"; Align-GVGD: "Class C0"). This variant has not been reported in the literature in individuals affected with LARGE1-related conditions. This variant is not present in population databases (gnomAD no frequency). This sequence change replaces tyrosine, which is neutral and polar, with serine, which is neutral and polar, at codon 627 of the LARGE1 protein (p.Tyr627Ser).